The following is an entry in ClinVar:

NM_000088.4(COL1A1):c.4088C>T (p.Ser1363Phe)

Gene: COL1A1 (collagen type I alpha 1 chain; minus strand). Cytogenetic location: 17q21.33.
Variant type: single nucleotide variant.
Coding change: c.4088C>T on transcript NM_000088.4 (MANE Select); coding-DNA position 4088, C replaced by T.
Protein change: p.Ser1363Phe; replaces serine 1363 with phenylalanine.
Molecular consequence: missense variant.
Genome position (GRCh38, 1-based): chr17:50,185,938, G>A on the plus strand (C>T on the coding strand, the complement: COL1A1 is on the minus strand). VCF-style: chr17-50185938-G-A. GRCh37 (hg19) VCF-style: chr17-48263299-G-A.
Other names: short protein forms S1363F.
Identifiers: ClinVar variation 5005771 (VCV005005771.2).
Genomic context (GRCh38, chr17:50,185,938, plus strand): 5'-TTGCCAGTCTGCTGGTCCATGTAGGCCACGCTGTTCTTGCAGTGGTAGGTGATGTTCTGG[G>A]AGGCCTCGGTGGACATCAGGCGCAGGAAGGTCAGCTGGATGGCCACATCGGCAGGGTCGG-3'
Protein context (NP_000079.2, residues 1353-1373): TFLRLMSTEA[Ser1363Phe]QNITYHCKNS

ClinVar aggregate classification (germline): Uncertain significance (1 of 4 stars; one submission).

Conditions:
Ehlers-Danlos syndrome, arthrochalasia type. Also called: ARTHROCHALASIS MULTIPLEX CONGENITA; Ehlers-Danlos syndrome, arthrochalasia type, 1; EDS VII, MUTANT PROCOLLAGEN TYPE; EDS VIIA; Ehlers-Danlos syndrome, arthrochalasis type. Identifiers: Orphanet 1899, Orphanet 99875, Orphanet 99876, MedGen C4551623, MONDO:0007525, OMIM 130060.
Osteogenesis imperfecta with normal sclerae, dominant form (OI4). Also called: OSTEOGENESIS IMPERFECTA WITH NORMAL SCLERAE; OSTEOGENESIS IMPERFECTA, TYPE IV, WITH DENTINOGENESIS IMPERFECTA; Osteogenesis imperfecta type 4; Osteogenesis Imperfecta Type IV; Common Variable Osteogenesis Imperfecta with Normal Sclerae. Identifiers: Orphanet 216820, Orphanet 666, MedGen C0268363, MONDO:0008148, OMIM 166220.
Infantile cortical hyperostosis. Also called: Hyperostosis, Cortical, Congenital; Caffey Disease; P1PK BLOOD GROUP SYSTEM, P(2) PHENOTYPE. Identifiers: Orphanet 1310, MedGen C0020497, MONDO:0007244, OMIM 114000.
Combined osteogenesis imperfecta and Ehlers-Danlos syndrome 1. Also called: OIEDS SYNDROME 1. Identifiers: MedGen C5436842, MONDO:0030854, OMIM 619115.
Osteoporosis. Identifiers: MedGen C0029456, MONDO:0005298, OMIM 166710, HP:0000939.
Osteogenesis imperfecta type I (OI1). Also called: OI, TYPE I; OSTEOGENESIS IMPERFECTA TARDA; OSTEOGENESIS IMPERFECTA WITH BLUE SCLERAE; Lobstein's Disease; Osteogenesis imperfecta type 1; Lobstein disease. Identifiers: Orphanet 216796, Orphanet 666, MedGen C0023931, MONDO:0008146, OMIM 166200. Disease mechanism: loss of function.
Osteogenesis imperfecta, perinatal lethal (OI2). Also called: OSTEOGENESIS IMPERFECTA, TYPE II; OI, TYPE II; OSTEOGENESIS IMPERFECTA CONGENITA; VROLIK TYPE OF OSTEOGENESIS IMPERFECTA; Osteogenesis imperfecta, dominant perinatal lethal; Osteogenesis imperfecta type 2. Identifiers: Orphanet 216804, MedGen C0268358, MONDO:0008147, OMIM 166210.
Osteogenesis imperfecta type III (OI3). Also called: Osteogenesis imperfecta type 3; OI type 3; Osteogenesis imperfecta, progressively deforming with normal sclerae; OI type III; Progressively Deforming Osteogenesis Imperfecta. Identifiers: Orphanet 216812, Orphanet 666, MedGen C0268362, MONDO:0009804, OMIM 259420.

Submission:

Juno Genomics, Hangzhou Juno Genomics, Inc
Classification: Uncertain significance for Osteoporosis; Infantile cortical hyperostosis; Combined osteogenesis imperfecta and Ehlers-Danlos syndrome 1; Ehlers-Danlos syndrome, arthrochalasia type; Osteogenesis imperfecta type I; Osteogenesis imperfecta, perinatal lethal; Osteogenesis imperfecta type III; Osteogenesis imperfecta with normal sclerae, dominant form. Review status: criteria provided, single submitter. Criteria: ACMG Guidelines, 2015. Collection method: clinical testing. Allele origin: germline.
Comment: Absent from controls (or at extremely low frequency if recessive) in Genome Aggregation Database.;Missense variant in a gene that has a low rate of benign missense variation.;Multiple lines of computational evidence support a deleterious effect on the gene or gene product.